The following is an entry in ClinVar:

NM_012471.3(TRPC5):c.2590A>G (p.Met864Val)

Gene: TRPC5 (transient receptor potential cation channel subfamily C member 5; minus strand). Cytogenetic location: Xq23.
Variant type: single nucleotide variant.
Coding change: c.2590A>G on transcript NM_012471.3 (MANE Select); coding-DNA position 2590, A replaced by G.
Protein change: p.Met864Val; replaces methionine 864 with valine.
Molecular consequence: missense variant.
Genome position (GRCh38, 1-based): chrX:111,776,645, T>C on the plus strand (A>G on the coding strand, the complement: TRPC5 is on the minus strand). VCF-style: chrX-111776645-T-C. GRCh37 (hg19) VCF-style: chrX-111019873-T-C.
Other names: short protein forms M864V.
Identifiers: ClinVar variation 3357987 (VCV003357987.3).

ClinVar aggregate classification (germline): Uncertain significance. Review status: criteria provided, multiple submitters, no conflicts (2 of 4 stars). 2 submissions from 2 submitters: Uncertain significance (2). Last evaluated 2025-11-14.

Conditions:
TRPC5-related disorder. Also called: TRPC5-related condition.

Submissions (2):

PreventionGenetics, part of Exact Sciences
Classification: Uncertain significance for TRPC5-related condition. Last evaluated: 2025-11-14. Review status: criteria provided, single submitter. Criteria: ACMG Guidelines, 2015. Collection method: clinical testing. Allele origin: germline.
Comment: The TRPC5 c.2590A>G variant is predicted to result in the amino acid substitution p.Met864Val. To our knowledge, this variant has not been reported in the literature. This variant is reported in 0.0054% of alleles in individuals of European (Non-Finnish) descent in gnomAD. Although we suspect that this variant may be benign, at this time, the clinical significance of this variant is uncertain due to the absence of conclusive functional and genetic evidence.

Ambry Genetics
Classification: Uncertain significance. Last evaluated: 2025-08-07. Review status: criteria provided, single submitter. Criteria: Ambry Variant Classification Scheme 2023. Collection method: clinical testing. Allele origin: germline.